The following is an entry in ClinVar:

ClinVar aggregate classification (germline): Uncertain significance. Review status: criteria provided, multiple submitters, no conflicts (2 of 4 stars). 2 submissions from 2 submitters: Uncertain significance (2). Last evaluated 2020-02-19.

Conditions:
Inborn genetic diseases. Identifiers: MedGen C0950123, MeSH D030342.

Allele frequency attached by ClinVar (database versions not stated): TOPMed below 0.00001.
gnomAD v4.1: 5 of 1,612,050 alleles (0.00031%); highest among the groups gnomAD compares: Admixed American, 0.0017%; no homozygotes.

Submissions (2):

Ambry Genetics
Classification: Uncertain significance for Inborn genetic diseases. Last evaluated: 2020-02-19. Review status: criteria provided, single submitter. Criteria: Ambry Variant Classification Scheme 2023. Collection method: clinical testing. Allele origin: germline.
Comment: The p.Y491C variant (also known as c.1472A>G), located in coding exon 7 of the TRPV4 gene, results from an A to G substitution at nucleotide position 1472. The tyrosine at codon 491 is replaced by cysteine, an amino acid with highly dissimilar properties. This amino acid position is well conserved in available vertebrate species. In addition, this alteration is predicted to be deleterious by in silico analysis. Since supporting evidence is limited at this time, the clinical significance of this alteration remains unclear.

GeneDx
Classification: Uncertain significance. Last evaluated: 2015-12-10. Review status: criteria provided, single submitter. Criteria: GeneDx Variant Classification (06012015). Collection method: clinical testing. Allele origin: germline. Affected: yes.
Comment: The Y491C variant has not been published as a pathogenic variant, nor has it been reported as a benign variant to our knowledge. It was not observed in approximately 6,500 individuals of European and African American ancestry in the NHLBI Exome Sequencing Project, indicating it is not a common benign variant in these populations. The Y491C variant is a non-conservative amino acid substitution, which is likely to impact secondary protein structure as these residues differ in polarity, charge, size and/or other properties. This substitution occurs at a position that is conserved in mammals. In silico analysis predicts this variant is probably damaging to the protein structure/function. However, based on the currently available information, it is unclear whether this variant is a pathogenic variant or a rare benign variant.

NM_021625.5(TRPV4):c.1472A>G (p.Tyr491Cys)

Gene: TRPV4 (transient receptor potential cation channel subfamily V member 4; minus strand). Cytogenetic location: 12q24.11.
Variant type: single nucleotide variant.
Coding change: c.1472A>G on transcript NM_021625.5 (MANE Select); coding-DNA position 1472, A replaced by G.
Protein change: p.Tyr491Cys; replaces tyrosine 491 with cysteine.
Molecular consequence: missense variant.
Genome position (GRCh38, 1-based): chr12:109,794,348, T>C on the plus strand (A>G on the coding strand, the complement: TRPV4 is on the minus strand). VCF-style: chr12-109794348-T-C. GRCh37 (hg19) VCF-style: chr12-110232153-T-C.
Other names: c.1331A>G, p.Tyr444Cys (NM_001177428.2); c.1370A>G, p.Tyr457Cys (NM_001177431.2); c.1151A>G, p.Tyr384Cys (NM_001177433.2); c.1292A>G, p.Tyr431Cys (NM_147204.3); short protein forms Y491C, Y384C, Y444C, Y457C, Y431C.
Identifiers: ClinVar variation 246188 (VCV000246188.4), dbSNP rs531738577, ClinGen allele CA10584397.